The following is an entry in ClinVar:

ClinVar aggregate classification (germline): Uncertain significance. Review status: criteria provided, multiple submitters, no conflicts (2 of 4 stars). 2 submissions from 2 submitters: Uncertain significance (2). Last evaluated 2024-05-31.

Conditions:
Polycystic kidney disease 4 (PKD4). Also called: POLYCYSTIC KIDNEY AND HEPATIC DISEASE 1; POLYCYSTIC KIDNEY DISEASE, INFANTILE, TYPE I; Autosomal Recessive Polycystic Kidney Disease – PKHD1; POLYCYSTIC KIDNEY DISEASE 4 WITH OR WITHOUT POLYCYSTIC LIVER DISEASE; PKD3. Identifiers: MedGen C4540575, MONDO:0033004, OMIM 263200.

gnomAD v4.1: 15 of 1,613,702 alleles (0.00093%); highest among the groups gnomAD compares: African/African-American, 0.02%; no homozygotes.

Submissions (2):

Fulgent Genetics
Classification: Uncertain significance for Polycystic kidney disease 4. Last evaluated: 2024-05-31. Review status: criteria provided, single submitter. Criteria: ACMG Guidelines, 2015. Collection method: clinical testing. Allele origin: germline.

GeneDx
Classification: Uncertain significance. Last evaluated: 2023-12-06. Review status: criteria provided, single submitter. Criteria: GeneDx Variant Classification Process June 2021. Collection method: clinical testing. Allele origin: germline. Affected: yes.
Comment: In silico analysis supports that this missense variant does not alter protein structure/function; Has not been previously published as pathogenic or benign to our knowledge

NM_138694.4(PKHD1):c.11261T>C (p.Val3754Ala)

Gene: PKHD1 (PKHD1 ciliary IPT domain containing fibrocystin/polyductin; minus strand). Cytogenetic location: 6p12.3.
Variant type: single nucleotide variant.
Coding change: c.11261T>C on transcript NM_138694.4 (MANE Select); coding-DNA position 11261, T replaced by C.
Protein change: p.Val3754Ala; replaces valine 3754 with alanine.
Molecular consequence: missense variant.
Genome position (GRCh38, 1-based): chr6:51,649,134, A>G on the plus strand (T>C on the coding strand, the complement: PKHD1 is on the minus strand). VCF-style: chr6-51649134-A-G. GRCh37 (hg19) VCF-style: chr6-51513932-A-G.
Other names: short protein forms V3754A.
Identifiers: ClinVar variation 3365098 (VCV003365098.2).
Genomic context (GRCh38, chr6:51,649,134, plus strand): 5'-TGAAAAGTTACCTGCTCATCCAAAAATACCAATTGTGGCTGCACTGGAAGCTCATTTCCC[A>G]CTTCTCCATCTGAAGGCTGGACTAGGATGGAAAGTGCATAGGGCCGAATATATATCAAGT-3'
Protein context (NP_619639.3, residues 3744-3764): SILVQPSDGE[Val3754Ala]GNELPVQPQL